The following is an entry in ClinVar:

ClinVar aggregate classification (germline): Uncertain significance (1 of 4 stars; one submission).

Conditions:
Severe combined immunodeficiency due to DNA-PKcs deficiency. Also called: Immunodeficiency 26 with or without neurologic abnormalities; IMMUNODEFICIENCY 26 WITH NEUROLOGIC ABNORMALITIES. Identifiers: Orphanet 317425, MedGen C4014833, MONDO:0014423, OMIM 615966.

Allele frequency attached by ClinVar (database versions not stated): ExAC 0.00001; gnomAD exomes 0.00001 and 0.00002; gnomAD 0.00005 and 0.00006; TOPMed 0.00008.
gnomAD v4.1: 19 of 1,613,636 alleles (0.0012%); highest among the groups gnomAD compares: Admixed American, 0.022%; no homozygotes.

Submission:

Labcorp Genetics (formerly Invitae), Labcorp
Classification: Uncertain significance for Severe combined immunodeficiency due to DNA-PKcs deficiency. Last evaluated: 2023-08-10. Review status: criteria provided, single submitter. Criteria: Invitae Variant Classification Sherloc (09022015). Collection method: clinical testing. Allele origin: germline.
Comment: In summary, the available evidence is currently insufficient to determine the role of this variant in disease. Therefore, it has been classified as a Variant of Uncertain Significance. Advanced modeling of protein sequence and biophysical properties (such as structural, functional, and spatial information, amino acid conservation, physicochemical variation, residue mobility, and thermodynamic stability) performed at Invitae indicates that this missense variant is expected to disrupt PRKDC protein function. ClinVar contains an entry for this variant (Variation ID: 1423843). This variant has not been reported in the literature in individuals affected with PRKDC-related conditions. This variant is present in population databases (rs748507687, gnomAD 0.02%). This sequence change replaces threonine with alanine at codon 2847 of the PRKDC protein (p.Thr2847Ala). The threonine residue is moderately conserved and there is a small physicochemical difference between threonine and alanine.

NM_006904.7(PRKDC):c.8539A>G (p.Thr2847Ala)

Gene: PRKDC (protein kinase, DNA-activated, catalytic subunit; minus strand). Cytogenetic location: 8q11.21.
Variant type: single nucleotide variant.
Coding change: c.8539A>G on transcript NM_006904.7 (MANE Select); coding-DNA position 8539, A replaced by G.
Protein change: p.Thr2847Ala; replaces threonine 2847 with alanine.
Molecular consequence: missense variant.
Genome position (GRCh38, 1-based): chr8:47,828,206, T>C on the plus strand (A>G on the coding strand, the complement: PRKDC is on the minus strand). VCF-style: chr8-47828206-T-C. GRCh37 (hg19) VCF-style: chr8-48740767-T-C.
Other names: c.8539A>G, p.Thr2847Ala (NM_001081640.2); short protein forms T2847A.
Identifiers: ClinVar variation 1423843 (VCV001423843.6), dbSNP rs748507687, ClinGen allele CA4739802.